The following is an entry in ClinVar:

NM_004360.5(CDH1):c.2188_2189delinsCTCCTCC (p.Phe730fs)

Gene: CDH1 (cadherin 1; plus strand). Cytogenetic location: 16q22.1.
Variant type: Indel.
Coding change: c.2188_2189delinsCTCCTCC on transcript NM_004360.5 (MANE Select); coding-DNA positions 2188 to 2189, TT replaced by CTCCTCC.
Protein change: p.Phe730fs; shifts the reading frame from phenylalanine 730.
Molecular consequence: frameshift variant.
Genome position (GRCh38, 1-based): chr16:68,828,197-68,828,198, TT replaced by CTCCTCC. VCF-style: chr16-68828197-TT-CTCCTCC. GRCh37 (hg19) VCF-style: chr16-68862100-TT-CTCCTCC.
Other names: c.2005_2006delinsCTCCTCC, p.Phe669fs (NM_001317184.2); c.640_641delinsCTCCTCC, p.Phe214fs (NM_001317185.2); c.223_224delinsCTCCTCC, p.Phe75fs (NM_001317186.2); short protein forms F669fs, F214fs, F75fs, F730fs.
Identifiers: ClinVar variation 1787359 (VCV001787359.2), dbSNP rs2543953404, ClinGen allele CA2580092025.

ClinVar aggregate classification (germline): Pathogenic (1 of 4 stars; one submission).

Conditions:
Hereditary cancer-predisposing syndrome. Also called: Neoplastic Syndromes, Hereditary; Tumor predisposition; Hereditary Cancer Syndrome; Hereditary neoplastic syndrome. Identifiers: Orphanet 140162, MedGen C0027672, MeSH D009386, MONDO:0015356.

Submission:

Ambry Genetics
Classification: Pathogenic for Hereditary cancer-predisposing syndrome. Last evaluated: 2020-06-18. Review status: criteria provided, single submitter. Criteria: Ambry Variant Classification Scheme 2023. Collection method: clinical testing. Allele origin: germline.
Comment: The c.2188_2189delTTinsCTCCTCC pathogenic mutation, located in coding exon 14 of the CDH1 gene, results from the deletion of two nucleotides and insertion of 7 nucleotides causing a translational frameshift with a predicted alternate stop codon (p.F730Lfs*42). This alteration is expected to result in loss of function by premature protein truncation or nonsense-mediated mRNA decay. As such, this alteration is interpreted as a disease-causing mutation.